The following is an entry in ClinVar:

ClinVar aggregate classification (germline): Pathogenic (1 of 4 stars; one submission).

Conditions:
Hereditary hemorrhagic telangiectasia (HHT). Also called: Osler hemorrhagic telangiectasia syndrome; ORW DISEASE; Osler Weber Rendu syndrome; OSLER-RENDU-WEBER DISEASE. Identifiers: Orphanet 774, MedGen C0039445, MONDO:0019180. Disease mechanism: loss of function.

Submission:

Labcorp Genetics (formerly Invitae), Labcorp
Classification: Pathogenic for Hereditary hemorrhagic telangiectasia. Last evaluated: 2019-09-19. Review status: criteria provided, single submitter. Criteria: Invitae Variant Classification Sherloc (09022015). Collection method: clinical testing. Allele origin: germline.
Comment: For these reasons, this variant has been classified as Pathogenic. Loss-of-function variants in ENG are known to be pathogenic (PMID: 15879500, 20656886, 22385575). This variant has not been reported in the literature in individuals with ENG-related conditions. This variant is not present in population databases (ExAC no frequency). This sequence change creates a premature translational stop signal (p.Gln176Argfs*46) in the ENG gene. It is expected to result in an absent or disrupted protein product.

Literature cited by the submitters: PubMed 15879500; PubMed 20656886; PubMed 22385575.

NM_001114753.3(ENG):c.527del (p.Gln176fs)

Gene: ENG (endoglin; minus strand). Cytogenetic location: 9q34.11.
Variant type: Deletion.
Coding change: c.527del on transcript NM_001114753.3 (MANE Select); coding-DNA position 527, one base deleted (A; older notation c.527delA).
Protein change: p.Gln176fs; shifts the reading frame from glutamine 176.
Molecular consequence: frameshift variant. On other transcripts: 5 prime UTR variant (1).
Genome position (GRCh38, 1-based): chr9:127,825,857, T deleted on the plus strand (A on the coding strand, the reverse complement: ENG is on the minus strand). VCF-style (leftmost placement, unchanged base first): chr9-127825856-CT-C. GRCh37 (hg19) VCF-style: chr9-130588135-CT-C.
Other names: c.527delA, p.Gln176Argfs (NM_000118.4, NM_001406715.1); c.-20del (NM_001278138.2); short protein forms Q176fs.
Identifiers: ClinVar variation 964530 (VCV000964530.9), dbSNP rs1830603743, ClinGen allele CA1139661219.